The following is an entry in ClinVar:

NM_001429.4(EP300):c.1181C>T (p.Ala394Val)

Gene: EP300 (EP300 lysine acetyltransferase; plus strand). Cytogenetic location: 22q13.2.
Variant type: single nucleotide variant.
Coding change: c.1181C>T on transcript NM_001429.4 (MANE Select); coding-DNA position 1181, C replaced by T.
Protein change: p.Ala394Val; replaces alanine 394 with valine.
Molecular consequence: missense variant.
Genome position (GRCh38, 1-based): chr22:41,129,902, C>T. VCF-style: chr22-41129902-C-T. GRCh37 (hg19) VCF-style: chr22-41525906-C-T.
Other names: c.1181C>T, p.Ala394Val (NM_001362843.2); short protein forms A394V.
Identifiers: ClinVar variation 3364334 (VCV003364334.2).

ClinVar aggregate classification (germline): Uncertain significance (1 of 4 stars; one submission).

gnomAD v4.1: 2 of 1,613,408 alleles (0.00012%); highest among the groups gnomAD compares: Non-Finnish European, 0.00017%; no homozygotes.

Submission:

GeneDx
Classification: Uncertain significance. Last evaluated: 2024-11-05. Review status: criteria provided, single submitter. Criteria: GeneDx Variant Classification Process June 2021. Collection method: clinical testing. Allele origin: germline.
Comment: Not observed at significant frequency in large population cohorts (gnomAD); In silico analysis supports that this missense variant has a deleterious effect on protein structure/function; Has not been previously published as pathogenic or benign to our knowledge